The following is an entry in ClinVar:

NM_025179.4(PLXNA2):c.2743G>A (p.Val915Ile)

Gene: PLXNA2 (plexin A2; minus strand). Cytogenetic location: 1q32.2.
Variant type: single nucleotide variant.
Coding change: c.2743G>A on transcript NM_025179.4 (MANE Select); coding-DNA position 2743, G replaced by A.
Protein change: p.Val915Ile; replaces valine 915 with isoleucine.
Molecular consequence: missense variant.
Genome position (GRCh38, 1-based): chr1:208,054,534, C>T on the plus strand (G>A on the coding strand, the complement: PLXNA2 is on the minus strand). VCF-style: chr1-208054534-C-T. GRCh37 (hg19) VCF-style: chr1-208227879-C-T.
Other names: short protein forms V915I.
Identifiers: ClinVar variation 3344533 (VCV003344533.1).
Genomic context (GRCh38, chr1:208,054,534, plus strand): 5'-CAATACACAGGCGTACTGGCCCGGAGGTGGTTCCCACGAGGGCATGGCCCATCTCACAGA[C>T]AATCCTGGGGAGAAAGCAAACCTTCTGGTGAGGGACTGGGCAAGGGCTGGCATCGCTGTT-3'
Protein context (NP_079455.3, residues 905-925): PGEYIIAEQI[Val915Ile]CEMGHALVGT

ClinVar aggregate classification (germline): Uncertain significance (0 of 4 stars; one submission).

Conditions:
PLXNA2-related disorder. Also called: PLXNA2-related condition.

gnomAD v4.1: 1 of 1,612,780 alleles (0.000062%); highest among the groups gnomAD compares: Non-Finnish European, 0.000085%; no homozygotes.

Submission:

PreventionGenetics, part of Exact Sciences
Classification: Uncertain significance for PLXNA2-related condition. Last evaluated: 2024-05-23. Review status: no assertion criteria provided. Collection method: clinical testing. Allele origin: germline.
Comment: The PLXNA2 c.2743G>A variant is predicted to result in the amino acid substitution p.Val915Ile. To our knowledge, this variant has not been reported in the literature or in gnomAD, indicating this variant is rare. At this time, the clinical significance of this variant is uncertain due to the absence of conclusive functional and genetic evidence.